The following is an entry in ClinVar:

ClinVar aggregate classification (germline): Uncertain significance. Review status: criteria provided, multiple submitters, no conflicts (2 of 4 stars). 2 submissions from 2 submitters: Uncertain significance (2). Last evaluated 2026-03-28.

Conditions:
Classic or attenuated familial adenomatous polyposis. Identifiers: MedGen CN372698, MONDO:0021057.
Hereditary cancer-predisposing syndrome. Also called: Tumor predisposition; Hereditary neoplastic syndrome; Neoplastic Syndromes, Hereditary; Hereditary Cancer Syndrome. Identifiers: Orphanet 140162, MedGen C0027672, MeSH D009386, MONDO:0015356.

Submissions (2):

Ambry Genetics
Classification: Uncertain significance for Hereditary cancer-predisposing syndrome. Last evaluated: 2026-03-28. Review status: criteria provided, single submitter. Criteria: Ambry Variant Classification Scheme 2023. Collection method: clinical testing. Allele origin: germline.
Comment: The p.K1308E variant (also known as c.3922A>G), located in coding exon 15 of the APC gene, results from an A to G substitution at nucleotide position 3922. The lysine at codon 1308 is replaced by glutamic acid, an amino acid with similar properties. This amino acid position is conserved. In addition, in silico predictors for this gene do not accurately predict pathogenicity. Based on the available evidence, the clinical significance of this variant remains unclear.

All of Us Research Program, National Institutes of Health
Classification: Uncertain significance for Classic or attenuated familial adenomatous polyposis. Last evaluated: 2023-02-24. Review status: criteria provided, single submitter. Criteria: ACMG Guidelines, 2015. Collection method: clinical testing. Allele origin: germline. Inheritance: Autosomal dominant inheritance. Observed: 1 variant allele, 1 heterozygote.
Comment: This missense variant replaces lysine with glutamic acid at codon 1308 of the APC protein. Computational prediction suggests that this variant may not impact protein structure and function (internally defined REVEL score threshold <= 0.5, PMID: 27666373). To our knowledge, functional studies have not been reported for this variant. This variant has not been reported in individuals affected with APC-related disorders in the literature. This variant has not been identified in the general population by the Genome Aggregation Database (gnomAD). The available evidence is insufficient to determine the role of this variant in disease conclusively. Therefore, this variant is classified as a Variant of Uncertain Significance.

This study involves interpretation of variants in research participants for the purpose of population health screening. Participant phenotype was not available at the time of variant classification. Additional details can be found in publication PMID: 35346344, PMCID: PMC8962531

NM_000038.6(APC):c.3922A>G (p.Lys1308Glu)

Gene: APC (APC regulator of Wnt signaling pathway; plus strand). Cytogenetic location: 5q22.2.
Variant type: single nucleotide variant.
Coding change: c.3922A>G on transcript NM_000038.6 (MANE Select); coding-DNA position 3922, A replaced by G.
Protein change: p.Lys1308Glu; replaces lysine 1308 with glutamic acid.
Molecular consequence: missense variant. On other transcripts: non-coding transcript variant (2).
Genome position (GRCh38, 1-based): chr5:112,839,516, A>G. VCF-style: chr5-112839516-A-G. GRCh37 (hg19) VCF-style: chr5-112175213-A-G.
Other names: c.3922A>G, p.Lys1308Glu (NM_001127510.3, NM_001354895.2, NM_001407450.1); c.3868A>G, p.Lys1290Glu (NM_001127511.3); c.3976A>G, p.Lys1326Glu (NM_001354896.2, NM_001407447.1, NM_001407448.1 and 1 more transcripts); c.3952A>G, p.Lys1318Glu (NM_001354897.2); c.3847A>G, p.Lys1283Glu (NM_001354898.2); c.3838A>G, p.Lys1280Glu (NM_001354899.2); c.3799A>G, p.Lys1267Glu (NM_001354900.2); c.3745A>G, p.Lys1249Glu (NM_001354901.2, NM_001407453.1); and 12 more; short protein forms K1025E, K1148E, K1179E, K1182E, K1207E, K1217E, K1225E, K1249E.
Identifiers: ClinVar variation 3069594 (VCV003069594.2), dbSNP rs2149902156, ClinGen allele CA16029938.
Genomic context (GRCh38, chr5:112,839,516, plus strand): 5'-GGATGTAATCAGACGACACAGGAAGCAGATTCTGCTAATACCCTGCAAATAGCAGAAATA[A>G]AAGAAAAGATTGGAACTAGGTCAGCTGAAGATCCTGTGAGCGAAGTTCCAGCAGTGTCAC-3'
Protein context (NP_000029.2, residues 1298-1318): SANTLQIAEI[Lys1308Glu]EKIGTRSAED